The following is an entry in ClinVar:

ClinVar aggregate classification (germline): Uncertain significance. Review status: criteria provided, multiple submitters, no conflicts (2 of 4 stars). 3 submissions from 3 submitters: Uncertain significance (3). Last evaluated 2026-03-25.

Conditions:
Colorectal cancer, susceptibility to, 12 (CRCS12). Also called: COLORECTAL CANCER, SUSCEPTIBILITY TO, ON CHROMOSOME 12q24. Identifiers: Orphanet 220460, MedGen C3554460, MONDO:0014038, OMIM 615083.
Hereditary cancer-predisposing syndrome. Also called: Tumor predisposition; Hereditary Cancer Syndrome; Neoplastic Syndromes, Hereditary; Hereditary neoplastic syndrome. Identifiers: Orphanet 140162, MedGen C0027672, MeSH D009386, MONDO:0015356.

Submissions (3):

Ambry Genetics
Classification: Uncertain significance for Hereditary cancer-predisposing syndrome. Last evaluated: 2026-03-25. Review status: criteria provided, single submitter. Criteria: Ambry Variant Classification Scheme 2023. Collection method: clinical testing. Allele origin: germline.
Comment: The p.G1316R variant (also known as c.3946G>A), located in coding exon 31 of the POLE gene, results from a G to A substitution at nucleotide position 3946. The glycine at codon 1316 is replaced by arginine, an amino acid with dissimilar properties. This amino acid position is highly conserved in available vertebrate species. In addition, the in silico prediction for this alteration is inconclusive. Based on the available evidence, the clinical significance of this variant remains unclear.

St. Jude Molecular Pathology, St. Jude Children's Research Hospital
Classification: Uncertain significance for Colorectal cancer, susceptibility to, 12. Last evaluated: 2026-02-11. Review status: criteria provided, single submitter. Criteria: St. Jude Assertion Criteria 2020. Collection method: clinical testing. Allele origin: germline.
Comment: The POLE c.3946G>A p.(Gly1316Arg) missense change is absent in gnomAD v2.1.1. The in silico tool REVEL is inconclusive about a pathogenic or benign effect of this variant on protein function, and to our knowledge functional studies have not been performed. To our knowledge, this variant has not been reported in the literature in individuals with POLE-related disease. In summary, the evidence currently available is insufficient to determine the clinical significance of this variant. It has therefore been classified as of uncertain significance.

Labcorp Genetics (formerly Invitae), Labcorp
Classification: Uncertain significance. Last evaluated: 2024-04-01. Review status: criteria provided, single submitter. Criteria: Invitae Variant Classification Sherloc (09022015). Collection method: clinical testing. Allele origin: germline.
Comment: This sequence change replaces glycine, which is neutral and non-polar, with arginine, which is basic and polar, at codon 1316 of the POLE protein (p.Gly1316Arg). This variant is not present in population databases (gnomAD no frequency). This variant has not been reported in the literature in individuals affected with POLE-related conditions. ClinVar contains an entry for this variant (Variation ID: 661652). Advanced modeling of protein sequence and biophysical properties (such as structural, functional, and spatial information, amino acid conservation, physicochemical variation, residue mobility, and thermodynamic stability) performed at Invitae indicates that this missense variant is not expected to disrupt POLE protein function with a negative predictive value of 80%. In summary, the available evidence is currently insufficient to determine the role of this variant in disease. Therefore, it has been classified as a Variant of Uncertain Significance.

NM_006231.4(POLE):c.3946G>A (p.Gly1316Arg)

Gene: POLE (DNA polymerase epsilon, catalytic subunit; minus strand). Cytogenetic location: 12q24.33.
Variant type: single nucleotide variant.
Coding change: c.3946G>A on transcript NM_006231.4 (MANE Select); coding-DNA position 3946, G replaced by A.
Protein change: p.Gly1316Arg; replaces glycine 1316 with arginine.
Molecular consequence: missense variant.
Genome position (GRCh38, 1-based): chr12:132,649,365, C>T on the plus strand (G>A on the coding strand, the complement: POLE is on the minus strand). VCF-style: chr12-132649365-C-T. GRCh37 (hg19) VCF-style: chr12-133225951-C-T.
Other names: c.3946G>A (NM_006231.2); short protein forms G1316R.
Identifiers: ClinVar variation 661652 (VCV000661652.11), dbSNP rs1593749696, ClinGen allele CA387384978.